The following is an entry in ClinVar:

ClinVar aggregate classification (germline): Uncertain significance. Review status: criteria provided, multiple submitters, no conflicts (2 of 4 stars). 2 submissions from 2 submitters: Uncertain significance (2). Last evaluated 2022-01-16.

Conditions:
Singleton-Merten syndrome 2 (SGMRT2). Identifiers: Orphanet 85191, MedGen C4225380, MONDO:0014575, OMIM 616298.

gnomAD v4.1: 14 of 1,612,288 alleles (0.00087%); highest among the groups gnomAD compares: Non-Finnish European, 0.0011%; no homozygotes.

Submissions (2):

Labcorp Genetics (formerly Invitae), Labcorp
Classification: Uncertain significance. Last evaluated: 2022-01-16. Review status: criteria provided, single submitter. Criteria: Invitae Variant Classification Sherloc (09022015). Collection method: clinical testing. Allele origin: germline.
Comment: In summary, the available evidence is currently insufficient to determine the role of this variant in disease. Therefore, it has been classified as a Variant of Uncertain Significance. Algorithms developed to predict the effect of missense changes on protein structure and function output the following: SIFT: "Tolerated"; PolyPhen-2: "Benign"; Align-GVGD: "Class C0". The leucine amino acid residue is found in multiple mammalian species, which suggests that this missense change does not adversely affect protein function. ClinVar contains an entry for this variant (Variation ID: 931225). This variant has not been reported in the literature in individuals affected with DDX58-related conditions. This variant is not present in population databases (gnomAD no frequency). This sequence change replaces isoleucine, which is neutral and non-polar, with leucine, which is neutral and non-polar, at codon 790 of the DDX58 protein (p.Ile790Leu).

Centre for Mendelian Genomics, University Medical Centre Ljubljana
Classification: Uncertain significance for Singleton-Merten syndrome 2. Last evaluated: 2018-10-29. Review status: criteria provided, single submitter. Criteria: ACMG Guidelines, 2015. Collection method: clinical testing. Allele origin: unknown. Affected: yes.
Comment: This variant was classified as: Uncertain significance. The available evidence on this variant's pathogenicity is insufficient or conflicting. The following ACMG criteria were applied in classifying this variant: PM2,BP1.

NM_014314.4(RIGI):c.2368A>C (p.Ile790Leu)

Genes: RIGI (RNA sensor RIG-I; minus strand), LOC101060445 (uncharacterized LOC101060445; plus strand). Cytogenetic location: 9p21.1.
Variant type: single nucleotide variant.
Coding change: c.2368A>C on transcript NM_014314.4 (MANE Select); coding-DNA position 2368, A replaced by C.
Protein change: p.Ile790Leu; replaces isoleucine 790 with leucine.
Molecular consequence: missense variant.
Genome position (GRCh38, 1-based): chr9:32,459,484, T>G on the plus strand (A>C on the coding strand, the complement: RIGI is on the minus strand). VCF-style: chr9-32459484-T-G. GRCh37 (hg19) VCF-style: chr9-32459482-T-G.
Other names: short protein forms I790L.
Identifiers: ClinVar variation 931225 (VCV000931225.7), dbSNP rs771103623, ClinGen allele CA373144503.